The following is an entry in ClinVar:

ClinVar aggregate classification (germline): Uncertain significance (1 of 4 stars; one submission).

Submission:

Labcorp Genetics (formerly Invitae), Labcorp
Classification: Uncertain significance. Last evaluated: 2022-06-29. Review status: criteria provided, single submitter. Criteria: Invitae Variant Classification Sherloc (09022015). Collection method: clinical testing. Allele origin: germline.
Comment: This variant is not present in population databases (gnomAD no frequency). In summary, the available evidence is currently insufficient to determine the role of this variant in disease. Therefore, it has been classified as a Variant of Uncertain Significance. Algorithms developed to predict the effect of missense changes on protein structure and function are either unavailable or do not agree on the potential impact of this missense change (SIFT: "Tolerated"; PolyPhen-2: "Possibly Damaging"; Align-GVGD: "Class C0"). This variant has not been reported in the literature in individuals affected with SETD5-related conditions. This sequence change replaces glutamic acid, which is acidic and polar, with lysine, which is basic and polar, at codon 486 of the SETD5 protein (p.Glu486Lys).

NM_001080517.3(SETD5):c.1456G>A (p.Glu486Lys)

Gene: SETD5 (SET domain containing 5; plus strand). Cytogenetic location: 3p25.3.
Variant type: single nucleotide variant.
Coding change: c.1456G>A on transcript NM_001080517.3 (MANE Select); coding-DNA position 1456, G replaced by A.
Protein change: p.Glu486Lys; replaces glutamic acid 486 with lysine.
Molecular consequence: missense variant.
Genome position (GRCh38, 1-based): chr3:9,445,672, G>A. VCF-style: chr3-9445672-G-A. GRCh37 (hg19) VCF-style: chr3-9487356-G-A.
Other names: c.1162G>A, p.Glu388Lys (NM_001292043.2, NM_001349451.2); short protein forms E388K, E486K.
Identifiers: ClinVar variation 2012188 (VCV002012188.4), dbSNP rs2472853294, ClinGen allele CA351694012.
Genomic context (GRCh38, chr3:9,445,672, plus strand): 5'-TTTCTCAGAGCTTGAGTACAGCTGAATATTGCCTCTATCTTAAAGGAAGTAGACAATCCA[G>A]AAGAAAAACCAGAAGAAGAGAAAGAAGAGGTTATAGATGACCAGGAGAACCTAGCTCATA-3'
Protein context (NP_001073986.1, residues 476-496): SSDHEEVDNP[Glu486Lys]EKPEEEKEEV